The following is an entry in ClinVar:

NM_000271.5(NPC1):c.2664dup (p.Val889fs)

Gene: NPC1 (NPC intracellular cholesterol transporter 1; minus strand). Cytogenetic location: 18q11.2.
Variant type: Duplication.
Coding change: c.2664dup on transcript NM_000271.5 (MANE Select); coding-DNA position 2664, one base duplicated (T; older notation c.2664dupT).
Protein change: p.Val889fs; shifts the reading frame from valine 889.
Molecular consequence: frameshift variant.
Genome position (GRCh38, 1-based): chr18:23,539,942, A duplicated on the plus strand (T on the coding strand, the reverse complement: NPC1 is on the minus strand). VCF-style (leftmost placement, unchanged base first): chr18-23539941-C-CA. GRCh37 (hg19) VCF-style: chr18-21119905-C-CA.
Other names: short protein forms V889fs.
Identifiers: ClinVar variation 970280 (VCV000970280.8), dbSNP rs2058688995, ClinGen allele CA1139665982.

ClinVar aggregate classification (germline): Pathogenic (1 of 4 stars; one submission).

Conditions:
Niemann-Pick disease, type C1. Also called: NEUROVISCERAL STORAGE DISEASE WITH VERTICAL SUPRANUCLEAR OPHTHALMOPLEGIA; NIEMANN-PICK DISEASE WITH CHOLESTEROL ESTERIFICATION BLOCK; NIEMANN-PICK DISEASE WITHOUT SPHINGOMYELINASE DEFICIENCY; NIEMANN-PICK DISEASE, CHRONIC NEURONOPATHIC FORM; NIEMANN-PICK DISEASE, VARIANT TYPE C1. Identifiers: Orphanet 646, MedGen C3179455, MONDO:0009757, OMIM 257220.

Submission:

Labcorp Genetics (formerly Invitae), Labcorp
Classification: Pathogenic for Niemann-Pick disease, type C1. Last evaluated: 2022-02-03. Review status: criteria provided, single submitter. Criteria: Invitae Variant Classification Sherloc (09022015). Collection method: clinical testing. Allele origin: germline.
Comment: For these reasons, this variant has been classified as Pathogenic. ClinVar contains an entry for this variant (Variation ID: 970280). This variant has not been reported in the literature in individuals affected with NPC1-related conditions. This variant is not present in population databases (gnomAD no frequency). This sequence change creates a premature translational stop signal (p.Val889Cysfs*29) in the NPC1 gene. It is expected to result in an absent or disrupted protein product. Loss-of-function variants in NPC1 are known to be pathogenic (PMID: 9211850).

Literature cited by the submitters: PubMed 9211850.